The following is an entry in ClinVar:

NM_001258392.3(CLPB):c.817T>C (p.Leu273=)

Gene: CLPB (ClpB family mitochondrial disaggregase; minus strand). Cytogenetic location: 11q13.4.
Variant type: single nucleotide variant.
Coding change: c.817T>C on transcript NM_001258392.3 (MANE Select); coding-DNA position 817, T replaced by C.
Protein change: p.Leu273=; no amino-acid change (leucine 273 retained).
Molecular consequence: synonymous variant.
Genome position (GRCh38, 1-based): chr11:72,329,763, A>G on the plus strand (T>C on the coding strand, the complement: CLPB is on the minus strand). VCF-style: chr11-72329763-A-G. GRCh37 (hg19) VCF-style: chr11-72040807-A-G.
Other names: c.730T>C, p.Leu244= (NM_001258393.3); c.772T>C, p.Leu258= (NM_001258394.3); c.907T>C, p.Leu303= (NM_030813.6).
Identifiers: ClinVar variation 1156907 (VCV001156907.10), dbSNP rs1950189871, ClinGen allele CA475611422.

ClinVar aggregate classification (germline): Likely benign. Review status: criteria provided, multiple submitters, no conflicts (2 of 4 stars). 2 submissions from 2 submitters: Likely benign (2). Last evaluated 2026-07-01.

Conditions:
3-methylglutaconic aciduria, type VIIB (MGCA7B). Also called: 3-methylglutaconic aciduria with cataracts, neurologic involvement and neutropenia; CLPB Deficiency; 3-methylglutaconic aciduria, type VII, with cataracts, neurologic involvement and neutropenia. Identifiers: Orphanet 445038, MedGen C5676893, MONDO:0014561, OMIM 616271.

Allele frequency attached by ClinVar (database versions not stated): gnomAD 0.00001; gnomAD exomes 0.00001; TOPMed 0.00001.
gnomAD v4.1: 8 of 1,613,848 alleles (0.0005%); highest among the groups gnomAD compares: Non-Finnish European, 0.00068%; no homozygotes.

Submissions (2):

CeGaT Center for Human Genetics Tuebingen
Classification: Likely benign. Last evaluated: 2026-07-01. Review status: criteria provided, single submitter. Criteria: CeGaT Center For Human Genetics Tuebingen Variant Classification Criteria Version 2. Collection method: clinical testing. Allele origin: germline. Affected: yes. Observed: 1 variant allele.
Comment: CLPB: BP4, BP7

Labcorp Genetics (formerly Invitae), Labcorp
Classification: Likely benign for 3-methylglutaconic aciduria, type VIIB. Last evaluated: 2025-01-30. Review status: criteria provided, single submitter. Criteria: Invitae Variant Classification Sherloc (09022015). Collection method: clinical testing. Allele origin: germline.